The following is an entry in ClinVar:

ClinVar aggregate classification (germline): Uncertain significance (1 of 4 stars; one submission).

gnomAD v4.1: 2 of 1,612,610 alleles (0.00012%); highest among the groups gnomAD compares: African/African-American, 0.0027%; no homozygotes.

Submission:

Labcorp Genetics (formerly Invitae), Labcorp
Classification: Uncertain significance. Last evaluated: 2024-09-15. Review status: criteria provided, single submitter. Criteria: Invitae Variant Classification Sherloc (09022015). Collection method: clinical testing. Allele origin: germline.
Comment: This sequence change replaces valine, which is neutral and non-polar, with leucine, which is neutral and non-polar, at codon 1460 of the MYH14 protein (p.Val1460Leu). This variant is present in population databases (rs761667274, gnomAD 0.01%). This variant has not been reported in the literature in individuals affected with MYH14-related conditions. Invitae Evidence Modeling of protein sequence and biophysical properties (such as structural, functional, and spatial information, amino acid conservation, physicochemical variation, residue mobility, and thermodynamic stability) indicates that this missense variant is not expected to disrupt MYH14 protein function with a negative predictive value of 80%. In summary, the available evidence is currently insufficient to determine the role of this variant in disease. Therefore, it has been classified as a Variant of Uncertain Significance.

NM_001145809.2(MYH14):c.4501G>T (p.Val1501Leu)

Gene: MYH14 (myosin heavy chain 14; plus strand). Cytogenetic location: 19q13.33.
Variant type: single nucleotide variant.
Coding change: c.4501G>T on transcript NM_001145809.2 (MANE Select); coding-DNA position 4501, G replaced by T.
Protein change: p.Val1501Leu; replaces valine 1501 with leucine.
Molecular consequence: missense variant.
Genome position (GRCh38, 1-based): chr19:50,281,804, G>T. VCF-style: chr19-50281804-G-T. GRCh37 (hg19) VCF-style: chr19-50785061-G-T.
Other names: c.4402G>T, p.Val1468Leu (NM_001077186.2); c.4378G>T, p.Val1460Leu (NM_024729.4); short protein forms V1460L, V1468L, V1501L.
Identifiers: ClinVar variation 3625414 (VCV003625414.2).